The following is an entry in ClinVar:

NM_022167.4(XYLT2):c.1753C>T (p.Pro585Ser)

Gene: XYLT2 (xylosyltransferase 2; plus strand). Cytogenetic location: 17q21.33.
Variant type: single nucleotide variant.
Coding change: c.1753C>T on transcript NM_022167.4 (MANE Select); coding-DNA position 1753, C replaced by T.
Protein change: p.Pro585Ser; replaces proline 585 with serine.
Molecular consequence: missense variant.
Genome position (GRCh38, 1-based): chr17:50,357,064, C>T. VCF-style: chr17-50357064-C-T. GRCh37 (hg19) VCF-style: chr17-48434425-C-T.
Other names: short protein forms P585S.
Identifiers: ClinVar variation 1931322 (VCV001931322.5), dbSNP rs770825174, ClinGen allele CA8646562.
Genomic context (GRCh38, chr17:50,357,064, plus strand): 5'-GGCCAAGTCAGGTGTGCTGATGGCATCTCCCTTTCTCCCTGCTGGCACCTTAGGTTTGAG[C>T]CCAGGGGCTTGCCGTCCAGCGTGCACCTGTATTTCTATGACGACCATTTCCAGGGCTACC-3'
Protein context (NP_071450.2, residues 575-595): PMGTPLCRFE[Pro585Ser]RGLPSSVHLY

ClinVar aggregate classification (germline): Uncertain significance (1 of 4 stars; one submission).

Allele frequency attached by ClinVar (database versions not stated): gnomAD exomes below 0.00001; ExAC 0.00001.

Submission:

Labcorp Genetics (formerly Invitae), Labcorp
Classification: Uncertain significance. Last evaluated: 2022-02-17. Review status: criteria provided, single submitter. Criteria: Invitae Variant Classification Sherloc (09022015). Collection method: clinical testing. Allele origin: germline.
Comment: Algorithms developed to predict the effect of missense changes on protein structure and function are either unavailable or do not agree on the potential impact of this missense change (SIFT: "Tolerated"; PolyPhen-2: "Possibly Damaging"; Align-GVGD: "Class C0"). This variant has not been reported in the literature in individuals affected with XYLT2-related conditions. The frequency data for this variant in the population databases is considered unreliable, as metrics indicate poor data quality at this position in the gnomAD database. This sequence change replaces proline, which is neutral and non-polar, with serine, which is neutral and polar, at codon 585 of the XYLT2 protein (p.Pro585Ser). In summary, the available evidence is currently insufficient to determine the role of this variant in disease. Therefore, it has been classified as a Variant of Uncertain Significance.